The following is an entry in ClinVar:

NM_013254.4(TBK1):c.1073G>A (p.Arg358His)

Gene: TBK1 (TANK binding kinase 1; plus strand). Cytogenetic location: 12q14.2.
Variant type: single nucleotide variant.
Coding change: c.1073G>A on transcript NM_013254.4 (MANE Select); coding-DNA position 1073, G replaced by A.
Protein change: p.Arg358His; replaces arginine 358 with histidine.
Molecular consequence: missense variant.
Genome position (GRCh38, 1-based): chr12:64,484,383, G>A. VCF-style: chr12-64484383-G-A. GRCh37 (hg19) VCF-style: chr12-64878163-G-A.
Other names: short protein forms R358H.
Identifiers: ClinVar variation 853808 (VCV000853808.32), dbSNP rs374208742, ClinGen allele CA6668965.

ClinVar aggregate classification (germline): Likely benign. Review status: criteria provided, multiple submitters, no conflicts (2 of 4 stars). 2 submissions from 2 submitters: Likely benign (2). Last evaluated 2026-01-27.

Conditions:
Frontotemporal dementia and/or amyotrophic lateral sclerosis 4. Also called: FTDALS4. Identifiers: Orphanet 275872, MedGen C4225325, MONDO:0014641, OMIM 616439.

Allele frequency attached by ClinVar (database versions not stated): ExAC 0.00005; gnomAD exomes 0.00006; ESP Exome Variant Server 0.00008; gnomAD 0.00010; 1000 Genomes Project 30x 0.00016; TOPMed 0.00017; 1000 Genomes Project 0.00020.
gnomAD v4.1: 71 of 1,613,980 alleles (0.0044%); highest among the groups gnomAD compares: African/African-American, 0.039%; no homozygotes.

Submissions (2):

Labcorp Genetics (formerly Invitae), Labcorp
Classification: Likely benign for Frontotemporal dementia and/or amyotrophic lateral sclerosis 4. Last evaluated: 2026-01-27. Review status: criteria provided, single submitter. Criteria: Invitae Variant Classification Sherloc (09022015). Collection method: clinical testing. Allele origin: germline.

CeGaT Center for Human Genetics Tuebingen
Classification: Likely benign. Last evaluated: 2024-02-01. Review status: criteria provided, single submitter. Criteria: CeGaT Center For Human Genetics Tuebingen Variant Classification Criteria Version 2. Collection method: clinical testing. Allele origin: germline. Affected: yes. Observed: 1 variant allele.
Comment: TBK1: BP4